The following is an entry in ClinVar:

ClinVar aggregate classification (germline): Uncertain significance. Review status: criteria provided, multiple submitters, no conflicts (2 of 4 stars). 2 submissions from 2 submitters: Uncertain significance (2). Last evaluated 2024-02-24.

Allele frequency attached by ClinVar (database versions not stated): gnomAD exomes below 0.00001 and 0.00001; gnomAD 0.00001.
gnomAD v4.1: 5 of 1,608,886 alleles (0.00031%); highest among the groups gnomAD compares: Non-Finnish European, 0.00042%; no homozygotes.

Submissions (2):

Labcorp Genetics (formerly Invitae), Labcorp
Classification: Uncertain significance. Last evaluated: 2024-02-24. Review status: criteria provided, single submitter. Criteria: Invitae Variant Classification Sherloc (09022015). Collection method: clinical testing. Allele origin: germline.
Comment: This sequence change replaces lysine, which is basic and polar, with arginine, which is basic and polar, at codon 754 of the RIMS1 protein (p.Lys754Arg). This variant is present in population databases (rs565763987, gnomAD 0.0009%). This variant has not been reported in the literature in individuals affected with RIMS1-related conditions. ClinVar contains an entry for this variant (Variation ID: 942543). An algorithm developed to predict the effect of missense changes on protein structure and function (PolyPhen-2) suggests that this variant is likely to be disruptive. In summary, the available evidence is currently insufficient to determine the role of this variant in disease. Therefore, it has been classified as a Variant of Uncertain Significance.

Blueprint Genetics
Classification: Uncertain significance. Last evaluated: 2018-08-07. Review status: criteria provided, single submitter. Criteria: ACMG Guidelines, 2015. Collection method: clinical testing. Allele origin: germline.

NM_014989.7(RIMS1):c.2261A>G (p.Lys754Arg)

Gene: RIMS1 (regulating synaptic membrane exocytosis 1; plus strand). Cytogenetic location: 6q13.
Variant type: single nucleotide variant.
Coding change: c.2261A>G on transcript NM_014989.7 (MANE Select); coding-DNA position 2261, A replaced by G.
Protein change: p.Lys754Arg; replaces lysine 754 with arginine.
Molecular consequence: missense variant.
Genome position (GRCh38, 1-based): chr6:72,250,349, A>G. VCF-style: chr6-72250349-A-G. GRCh37 (hg19) VCF-style: chr6-72960052-A-G.
Other names: c.683A>G, p.Lys228Arg (NM_001168407.2, NM_001168408.2, NM_001350414.2 and 37 more transcripts); c.440A>G, p.Lys147Arg (NM_001168409.2, NM_001350461.2, NM_001350463.2 and 6 more transcripts); c.638A>G, p.Lys213Arg (NM_001168410.2, NM_001350470.2, NM_001350472.2 and 2 more transcripts); c.614A>G, p.Lys205Arg (NM_001350421.2, NM_001350424.2, NM_001350428.2 and 6 more transcripts); short protein forms K205R, K147R, K228R, K213R, K754R.
Identifiers: ClinVar variation 942543 (VCV000942543.10), dbSNP rs565763987, ClinGen allele CA140881914.
Genomic context (GRCh38, chr6:72,250,349, plus strand): 5'-TCATGATTTTTACAAATAATTCCTTTCCTCATTGCTCCTAGGTGAAGTTGTGGTATGATA[A>G]AGTGGGACACCAGCTGATTGTAAATGTTCTGCAAGCAACAGATCTACCTGCTAGAGTAGA-3'
Protein context (NP_055804.2, residues 744-764): GQLSVKLWYD[Lys754Arg]VGHQLIVNVL